The following is an entry in ClinVar:

ClinVar aggregate classification (germline): Uncertain significance (1 of 4 stars; one submission).

Submission:

Labcorp Genetics (formerly Invitae), Labcorp
Classification: Uncertain significance. Last evaluated: 2025-12-11. Review status: criteria provided, single submitter. Criteria: Invitae Variant Classification Sherloc (09022015). Collection method: clinical testing. Allele origin: germline.
Comment: This sequence change replaces glutamic acid, which is acidic and polar, with glycine, which is neutral and non-polar, at codon 39 of the FRMD7 protein (p.Glu39Gly). This variant is not present in population databases (gnomAD no frequency). This variant has not been reported in the literature in individuals affected with FRMD7-related conditions. An algorithm developed to predict the effect of missense changes on protein structure and function (PolyPhen-2) suggests that this variant is likely to be disruptive. In summary, the available evidence is currently insufficient to determine the role of this variant in disease. Therefore, it has been classified as a Variant of Uncertain Significance.

NM_194277.3(FRMD7):c.116A>G (p.Glu39Gly)

Gene: FRMD7 (FERM domain containing 7; minus strand). Cytogenetic location: Xq26.2.
Variant type: single nucleotide variant.
Coding change: c.116A>G on transcript NM_194277.3 (MANE Select); coding-DNA position 116, A replaced by G.
Protein change: p.Glu39Gly; replaces glutamic acid 39 with glycine.
Molecular consequence: missense variant.
Genome position (GRCh38, 1-based): chrX:132,100,658, T>C on the plus strand (A>G on the coding strand, the complement: FRMD7 is on the minus strand). VCF-style: chrX-132100658-T-C. GRCh37 (hg19) VCF-style: chrX-131234686-T-C.
Other names: c.116A>G, p.Glu39Gly (NM_001306193.2); short protein forms E39G.
Identifiers: ClinVar variation 4732991 (VCV004732991.1).